The following is an entry in ClinVar:

ClinVar aggregate classification (germline): Uncertain significance (1 of 4 stars; one submission).

Conditions:
Familial adenomatous polyposis 1 (FAP1). Also called: FAMILIAL ADENOMATOUS POLYPOSIS 1, ATTENUATED; POLYPOSIS, ADENOMATOUS INTESTINAL. Identifiers: MedGen C2713442, MONDO:0021056, OMIM 175100. Disease mechanism: loss of function.

Submission:

Labcorp Genetics (formerly Invitae), Labcorp
Classification: Uncertain significance for Familial adenomatous polyposis 1. Last evaluated: 2024-12-26. Review status: criteria provided, single submitter. Criteria: Invitae Variant Classification Sherloc (09022015). Collection method: clinical testing. Allele origin: germline.
Comment: This sequence change replaces arginine, which is basic and polar, with glycine, which is neutral and non-polar, at codon 1790 of the APC protein (p.Arg1790Gly). This variant is not present in population databases (gnomAD no frequency). This variant has not been reported in the literature in individuals affected with APC-related conditions. Invitae Evidence Modeling of protein sequence and biophysical properties (such as structural, functional, and spatial information, amino acid conservation, physicochemical variation, residue mobility, and thermodynamic stability) indicates that this missense variant is not expected to disrupt APC protein function with a negative predictive value of 95%. In summary, the available evidence is currently insufficient to determine the role of this variant in disease. Therefore, it has been classified as a Variant of Uncertain Significance.

NM_000038.6(APC):c.5368A>G (p.Arg1790Gly)

Gene: APC (APC regulator of Wnt signaling pathway; plus strand). Cytogenetic location: 5q22.2.
Variant type: single nucleotide variant.
Coding change: c.5368A>G on transcript NM_000038.6 (MANE Select); coding-DNA position 5368, A replaced by G.
Protein change: p.Arg1790Gly; replaces arginine 1790 with glycine.
Molecular consequence: missense variant. On other transcripts: non-coding transcript variant (2).
Genome position (GRCh38, 1-based): chr5:112,840,962, A>G. VCF-style: chr5-112840962-A-G. GRCh37 (hg19) VCF-style: chr5-112176659-A-G.
Other names: c.5368A>G, p.Arg1790Gly (NM_001127510.3, NM_001354895.2, NM_001407450.1); c.5314A>G, p.Arg1772Gly (NM_001127511.3); c.5422A>G, p.Arg1808Gly (NM_001354896.2, NM_001407447.1, NM_001407448.1 and 1 more transcripts); c.5398A>G, p.Arg1800Gly (NM_001354897.2); c.5293A>G, p.Arg1765Gly (NM_001354898.2); c.5284A>G, p.Arg1762Gly (NM_001354899.2); c.5245A>G, p.Arg1749Gly (NM_001354900.2); c.5191A>G, p.Arg1731Gly (NM_001354901.2, NM_001407453.1); and 11 more; short protein forms R1749G, R1762G, R1772G, R1790G, R1818G, R1507G, R1664G, R1689G.
Identifiers: ClinVar variation 3635485 (VCV003635485.2).